The following is an entry in ClinVar:

ClinVar aggregate classification (germline): Pathogenic. Review status: reviewed by expert panel (3 of 4 stars). 4 submissions from 4 submitters: Pathogenic (1). 3 of the submissions do not count toward it. Last evaluated 2026-09-22.

Conditions:
Leber congenital amaurosis (LCA). Also called: Leber's amaurosis. Identifiers: Orphanet 65, MedGen C0339527, MeSH D057130, MONDO:0018998.
RPE65-related recessive retinopathy. Also called: Recessive RPE65 retinopathy. Identifiers: MedGen CN305526, MONDO:0100368.
RPE65-related disorder. Also called: RPE65-related condition; RPE65-related disorders. Identifiers: MedGen CN239301.
Retinitis pigmentosa 20 (RP20). Identifiers: Orphanet 791, MedGen C3151086, MONDO:0013425, OMIM 613794.
Leber congenital amaurosis 2 (LCA2). Also called: Autosomal Recessive RPE65-Related Retinal Degeneration; AMAUROSIS CONGENITA OF LEBER II. Identifiers: Orphanet 65, MedGen C1859844, MONDO:0008765, OMIM 204100. Disease mechanism: loss of function.

Allele frequency attached by ClinVar (database versions not stated): gnomAD exomes 0.00001.

Submissions (4):

ClinGen Leber Congenital Amaurosis/early Onset Retinal Dystrophy Variant Curation Expert Panel, ClinGen
Classification: Pathogenic for RPE65-related recessive retinopathy. Last evaluated: 2026-09-22. Review status: reviewed by expert panel. Criteria: ClinGen LCAeoRD ACMG Specifications RPE65 V1.0.0. Collection method: curation. Allele origin: germline. Inheritance: Autosomal recessive inheritance.
Comment: NM_000329.3(RPE65):c.991_993dup is an in-frame insertion variant encoding a duplication of tryptophan 331. This variant is present in gnomAD v.4.1.1 at a GrpMax allele frequency of 0.000001240, with 5 alleles / 1179920 total alleles in the European (non-Finnish) population, which is lower than the ClinGen LCA / eoRD VCEP PM2_Supporting threshold of <0.0002 (PM2_Supporting). This variant is predicted to cause a change in the length of the protein due to an in-frame insertion encoding 1 amino acid in a non-repeat region, with at least one of the neighboring base pairs highly conserved with a PhyloP conservation score of 7.47347 (PM4_Supporting). At least one proband harboring this variant exhibits a phenotype including diagnosis at age 4 (1 pt), reduced BCVA (1 pt) with infantile nystagmus (1 pt), night blindness (0.5 pts), and loss of midperipheral sensitivity of kinetic visual fields (1 pt). Patient had significant, documented improvement of FST after RPE65 gene therapy (8 pts). Together these are specific for RPE65-related recessive retinopathy (12.5 total pts, PMID: 40757766, PP4_Mod). This variant has been reported in at least 1 proband with early-onset severe retinal dystrophy who was homozygous for the variant (0.5 pts, PMID: 20683928). This variant has also been reported in at least 4 probands with early-onset severe retinal dystrophy who were compound heterozygous with the NM_000329.3(RPE65):c.11+5G>A variant (confirmed in trans, PMID: 40757766, 1 pt), the NM_000329.3(RPE65):c.1102T>C (p.Tyr368His) variant (suspected in trans, PMID: 32032261, 0.5 pts), the NM_000329.3(RPE65):c.700C>T (p.Arg234Ter) variant (confirmed in trans, PMID: 20683928, 1 pt), and the NM_000329.3(RPE65):c.715T>G (p.Tyr239Asp) variant (confirmed in trans, Clinical Lab communication) which were previously classified pathogenic by the ClinGen LCA / eoRD VCEP (4.0 total points, PM3_Very Strong). Although two of these cases are related (aunt and niece), the VCEP decided that both should be counted based on their different genotypes. The variant has been reported to segregate with childhood-onset severe retinal dystrophy through the proband plus 1 similarly affected relative, with the variant present in the homozygous state in one family member and in the compound heterozygous state in the other (PP1; PMID: 20683928). In summary, this variant meets the criteria to be classified as Pathogenic for RPE65-related recessive retinopathy based on the ACMG/AMP criteria applied, as specified by the ClinGen LCA / eoRD VCEP: PM2_Supporting, PM3_Very Strong, PM4_Supporting, PP1, and PP4_Mod. (VCEP specifications version 1.0.0).

Women's Health and Genetics/Laboratory Corporation of America, LabCorp
Classification: Pathogenic for Leber congenital amaurosis. Last evaluated: 2025-12-03. Review status: criteria provided, single submitter. Criteria: LabCorp Variant Classification Summary - May 2015. Collection method: clinical testing. Allele origin: germline. Not counted in ClinVar's aggregate classification.
Comment: Variant summary: RPE65 c.991_993dupTGG (p.Trp331dup) results in an in-frame duplication that is predicted to duplicate one amino acid into the encoded protein. The variant was absent in 251390 control chromosomes (gnomAD). c.991_993dupTGG has been observed in multiple individuals affected with Leber congenital amaurosis (Coppieters_2010, Coppieters_2012, internal data). These data indicate that the variant is very likely to be associated with disease. To our knowledge, no experimental evidence demonstrating an impact on protein function has been reported. The following publications have been ascertained in the context of this evaluation (PMID: 22261762, 20683928). ClinVar contains an entry for this variant (Variation ID: 658837). Based on the evidence outlined above, the variant was classified as pathogenic.

Blueprint Genetics
Classification: Likely pathogenic for RPE65-related disorders. Last evaluated: 2022-10-28. Review status: criteria provided, single submitter. Criteria: ACMG Guidelines, 2015. Collection method: clinical testing. Allele origin: germline. Affected: yes. Observed: 2 variant alleles. Not counted in ClinVar's aggregate classification.

Labcorp Genetics (formerly Invitae), Labcorp
Classification: Pathogenic for Leber congenital amaurosis 2; Retinitis pigmentosa 20. Last evaluated: 2022-06-04. Review status: criteria provided, single submitter. Criteria: Invitae Variant Classification Sherloc (09022015). Collection method: clinical testing. Allele origin: germline. Not counted in ClinVar's aggregate classification.
Comment: This variant is not present in population databases (gnomAD no frequency). This variant, c.991_993dup, results in the insertion of 1 amino acid(s) of the RPE65 protein (p.Trp331dup), but otherwise preserves the integrity of the reading frame. This variant has been observed in individual(s) with Leber congenital amaurosis and/or retinitis pigmentosa (PMID: 20683928; Invitae). In at least one individual the data is consistent with being in trans (on the opposite chromosome) from a pathogenic variant. It has also been observed to segregate with disease in related individuals. For these reasons, this variant has been classified as Pathogenic. ClinVar contains an entry for this variant (Variation ID: 658837).

Literature cited by the submitters: PubMed 20683928 (cited by Women's Health and Genetics/Laboratory Corporation of America, LabCorp and Labcorp Genetics (formerly Invitae), Labcorp); PubMed 22261762 (cited by Women's Health and Genetics/Laboratory Corporation of America, LabCorp).

NM_000329.3(RPE65):c.991_993dup (p.Trp331dup)

Gene: RPE65 (retinoid isomerohydrolase RPE65; minus strand). Cytogenetic location: 1p31.3.
Variant type: Duplication.
Coding change: c.991_993dup on transcript NM_000329.3 (MANE Select); coding-DNA positions 991 to 993, 3 bases duplicated (TGG; older notation c.991_993dupTGG).
Protein change: p.Trp331dup; duplicates tryptophan 331.
Molecular consequence: inframe insertion.
Genome position (GRCh38, 1-based): chr1:68,438,947-68,438,949, CCA duplicated on the plus strand (TGG on the coding strand, the reverse complement: RPE65 is on the minus strand). VCF-style (leftmost placement, unchanged base first): chr1-68438946-T-TCCA. GRCh37 (hg19) VCF-style: chr1-68904629-T-TCCA.
Other names: NM_000329.3(RPE65):c.991_993dup; p.Trp331dup; c.991_993dup (NM_000329.2); c.991_993dupTGG (NM_000329.3).
Identifiers: ClinVar variation 658837 (VCV000658837.13), dbSNP rs1571165140, ClinGen allele CA915941307.